The following is an entry in ClinVar:

ClinVar aggregate classification (germline): Uncertain significance. Review status: criteria provided, multiple submitters, no conflicts (2 of 4 stars). 2 submissions from 2 submitters: Uncertain significance (2). Last evaluated 2024-10-09.

Conditions:
Inborn genetic diseases. Identifiers: MedGen C0950123, MeSH D030342.

Allele frequency attached by ClinVar (database versions not stated): gnomAD 0.00001; ExAC 0.00002; gnomAD exomes 0.00002; TOPMed 0.00002.
gnomAD v4.1: 34 of 1,611,334 alleles (0.0021%); highest among the groups gnomAD compares: Admixed American, 0.013%; no homozygotes.

Submissions (2):

Ambry Genetics
Classification: Uncertain significance for Inborn genetic diseases. Last evaluated: 2024-10-09. Review status: criteria provided, single submitter. Criteria: Ambry Variant Classification Scheme 2023. Collection method: clinical testing. Allele origin: germline.

Labcorp Genetics (formerly Invitae), Labcorp
Classification: Uncertain significance. Last evaluated: 2022-07-30. Review status: criteria provided, single submitter. Criteria: Invitae Variant Classification Sherloc (09022015). Collection method: clinical testing. Allele origin: germline.
Comment: This sequence change replaces arginine, which is basic and polar, with cysteine, which is neutral and slightly polar, at codon 1432 of the RTTN protein (p.Arg1432Cys). This variant is present in population databases (rs772829307, gnomAD 0.03%). This variant has not been reported in the literature in individuals affected with RTTN-related conditions. Algorithms developed to predict the effect of missense changes on protein structure and function (SIFT, PolyPhen-2, Align-GVGD) all suggest that this variant is likely to be disruptive. In summary, the available evidence is currently insufficient to determine the role of this variant in disease. Therefore, it has been classified as a Variant of Uncertain Significance.

NM_173630.4(RTTN):c.4294C>T (p.Arg1432Cys)

Gene: RTTN (rotatin; minus strand). Cytogenetic location: 18q22.2.
Variant type: single nucleotide variant.
Coding change: c.4294C>T on transcript NM_173630.4 (MANE Select); coding-DNA position 4294, C replaced by T.
Protein change: p.Arg1432Cys; replaces arginine 1432 with cysteine.
Molecular consequence: missense variant.
Genome position (GRCh38, 1-based): chr18:70,087,997, G>A on the plus strand (C>T on the coding strand, the complement: RTTN is on the minus strand). VCF-style: chr18-70087997-G-A. GRCh37 (hg19) VCF-style: chr18-67755233-G-A.
Other names: c.1558C>T, p.Arg520Cys (NM_001318520.2); c.4294C>T (NM_173630.3); short protein forms R520C, R1432C.
Identifiers: ClinVar variation 2047108 (VCV002047108.2), dbSNP rs772829307, ClinGen allele CA8995335.